The following is an entry in ClinVar:

NM_022489.4(INF2):c.3001A>G (p.Lys1001Glu)

Gene: INF2 (inverted formin 2; plus strand). Cytogenetic location: 14q32.33.
Variant type: single nucleotide variant.
Coding change: c.3001A>G on transcript NM_022489.4 (MANE Select); coding-DNA position 3001, A replaced by G.
Protein change: p.Lys1001Glu; replaces lysine 1001 with glutamic acid.
Molecular consequence: missense variant.
Genome position (GRCh38, 1-based): chr14:104,713,567, A>G. VCF-style: chr14-104713567-A-G. GRCh37 (hg19) VCF-style: chr14-105179904-A-G.
Other names: c.3001A>G, p.Lys1001Glu (NM_001031714.4); short protein forms K1001E.
Identifiers: ClinVar variation 2090669 (VCV002090669.4), dbSNP rs2541948392, ClinGen allele CA391223092.

ClinVar aggregate classification (germline): Uncertain significance (1 of 4 stars; one submission).

Conditions:
Charcot-Marie-Tooth disease dominant intermediate E. Also called: CHARCOT-MARIE-TOOTH NEUROPATHY WITH FOCAL SEGMENTAL GLOMERULONEPHRITIS. Identifiers: Orphanet 93114, MedGen C4302667, MONDO:0013758, OMIM 614455.
Focal segmental glomerulosclerosis 5 (FSGS5). Identifiers: Orphanet 656, MedGen C2750475, MONDO:0013191, OMIM 613237.

Submission:

Labcorp Genetics (formerly Invitae), Labcorp
Classification: Uncertain significance for Charcot-Marie-Tooth disease dominant intermediate E; Focal segmental glomerulosclerosis 5. Last evaluated: 2022-01-28. Review status: criteria provided, single submitter. Criteria: Invitae Variant Classification Sherloc (09022015). Collection method: clinical testing. Allele origin: germline.
Comment: Algorithms developed to predict the effect of missense changes on protein structure and function are either unavailable or do not agree on the potential impact of this missense change (SIFT: "Tolerated"; PolyPhen-2: "Not Available"; Align-GVGD: "Class C0"). In summary, the available evidence is currently insufficient to determine the role of this variant in disease. Therefore, it has been classified as a Variant of Uncertain Significance. This sequence change replaces lysine, which is basic and polar, with glutamic acid, which is acidic and polar, at codon 1001 of the INF2 protein (p.Lys1001Glu). This variant is not present in population databases (gnomAD no frequency). This variant has not been reported in the literature in individuals affected with INF2-related conditions.